The following is an entry in ClinVar:

NM_006206.6(PDGFRA):c.599C>G (p.Thr200Ser)

Gene: PDGFRA (platelet derived growth factor receptor alpha; plus strand). Cytogenetic location: 4q12.
Variant type: single nucleotide variant.
Coding change: c.599C>G on transcript NM_006206.6 (MANE Select); coding-DNA position 599, C replaced by G.
Protein change: p.Thr200Ser; replaces threonine 200 with serine.
Molecular consequence: missense variant.
Genome position (GRCh38, 1-based): chr4:54,263,898, C>G. VCF-style: chr4-54263898-C-G. GRCh37 (hg19) VCF-style: chr4-55130065-C-G.
Other names: c.599C>G, p.Thr200Ser (NM_001347827.2, NM_001347829.2); c.674C>G, p.Thr225Ser (NM_001347828.2); c.638C>G, p.Thr213Ser (NM_001347830.2); c.599C>G (NM_006206.5); short protein forms T200S, T213S, T225S.
Identifiers: ClinVar variation 41800 (VCV000041800.53), dbSNP rs149951350, ClinGen allele CA161438.

ClinVar aggregate classification (germline): Conflicting classifications of pathogenicity. Review status: criteria provided, conflicting classifications (1 of 4 stars). 14 submissions from 13 submitters: Uncertain significance (1); Benign (3); Likely benign (7). 3 of the submissions do not count toward it. Last evaluated 2026-08-01.

Conditions:
Polyps, multiple and recurrent inflammatory fibroid, gastrointestinal. Identifiers: MedGen C5193005, MONDO:0008285, OMIM 175510.
PDGFRA-related disorder. Also called: PDGFRA-related condition.
Hereditary cancer-predisposing syndrome. Also called: Neoplastic Syndromes, Hereditary; Hereditary neoplastic syndrome; Hereditary Cancer Syndrome; Tumor predisposition. Identifiers: Orphanet 140162, MedGen C0027672, MeSH D009386, MONDO:0015356.
Idiopathic hypereosinophilic syndrome (HES). Identifiers: Orphanet 3260, MedGen C0206141, MONDO:0011895, OMIM 607685. Disease mechanism: gain of function.
Gastrointestinal stromal tumor. Also called: Gastrointestinal stromal tumor, somatic; Gastrointestinal stroma tumor. Identifiers: Orphanet 44890, MedGen C0238198, MeSH D046152, MONDO:0011719, OMIM 606764, HP:0100723.

Allele frequency attached by ClinVar (database versions not stated): ExAC 0.00078; ESP Exome Variant Server 0.00023; gnomAD exomes 0.00053 and 0.00074; gnomAD 0.00080 and 0.00086; TOPMed 0.00035.
gnomAD v4.1: 895 of 1,613,948 alleles (0.055%); highest among the groups gnomAD compares: Non-Finnish European, 0.063%; no homozygotes.

Submissions (14):

CeGaT Center for Human Genetics Tuebingen
Classification: Likely benign. Last evaluated: 2026-08-01. Review status: criteria provided, single submitter. Criteria: CeGaT Center For Human Genetics Tuebingen Variant Classification Criteria Version 2. Collection method: clinical testing. Allele origin: germline. Affected: yes. Observed: 6 variant alleles.
Comment: PDGFRA: BP4

Myriad Genetics, Inc.
Classification: Likely benign for Polyps, multiple and recurrent inflammatory fibroid, gastrointestinal. Last evaluated: 2026-06-12. Review status: criteria provided, single submitter. Criteria: Myriad Autosomal Dominant, Autosomal Recessive and X-Linked Classification Criteria (2023). Collection method: clinical testing. Allele origin: unknown.
Comment: This variant is considered likely benign. This variant has been observed at a population frequency that is significantly greater than expected given the associated disease prevalence and penetrance.

Labcorp Genetics (formerly Invitae), Labcorp
Classification: Likely benign for Gastrointestinal stromal tumor. Last evaluated: 2026-02-03. Review status: criteria provided, single submitter. Criteria: Invitae Variant Classification Sherloc (09022015). Collection method: clinical testing. Allele origin: germline.

Praxis Für Humangenetik, Biosciencia MVZ Labor Saar
Classification: Likely benign for Hereditary cancer-predisposing syndrome. Last evaluated: 2025-11-10. Review status: criteria provided, single submitter. Criteria: ACMG Guidelines, 2015. Collection method: clinical testing. Allele origin: germline.

Laboratory of Genetics, Children's Clinical University Hospital Latvia
Classification: Benign. Last evaluated: 2025-02-16. Review status: criteria provided, single submitter. Criteria: ACMG Guidelines, 2015. Collection method: clinical testing. Allele origin: germline. Affected: yes.

Blueprint Genetics
Classification: Likely benign. Last evaluated: 2024-11-26. Review status: criteria provided, single submitter. Criteria: ACMG Guidelines, 2015. Collection method: clinical testing. Allele origin: germline.

Ambry Genetics
Classification: Benign for Hereditary cancer-predisposing syndrome. Last evaluated: 2024-08-20. Review status: criteria provided, single submitter. Criteria: Ambry Variant Classification Scheme 2023. Collection method: clinical testing. Allele origin: germline.

Institute for Clinical Genetics, University Hospital TU Dresden, University Hospital TU Dresden
Classification: Uncertain significance. Last evaluated: 2021-11-03. Review status: criteria provided, single submitter. Criteria: ACMG Guidelines, 2015. Collection method: clinical testing. Allele origin: germline.

Sema4
Classification: Likely benign for Hereditary cancer-predisposing syndrome. Last evaluated: 2021-02-08. Review status: criteria provided, single submitter. Criteria: Sema4 Curation Guidelines. Collection method: curation. Allele origin: germline.

Illumina Laboratory Services, Illumina
Classification: Likely benign for Gastrointestinal stromal tumor. Last evaluated: 2018-01-12. Review status: criteria provided, single submitter. Criteria: ICSL Variant Classification Criteria 13 December 2019. Collection method: clinical testing. Allele origin: germline.
Comment: This variant was observed in the ICSL laboratory as part of a predisposition screen in an ostensibly healthy population. It had not been previously curated by ICSL or reported in the Human Gene Mutation Database (HGMD: prior to June 1st, 2018), and was therefore a candidate for classification through an automated scoring system. Utilizing variant allele frequency, disease prevalence and penetrance estimates, and inheritance mode, an automated score was calculated to assess if this variant is too frequent to cause the disease. Based on the score and internal cut-off values, a variant classified as likely benign is not then subjected to further curation. The score for this variant resulted in a classification of likely benign for this disease.

Illumina Laboratory Services, Illumina
Classification: Benign for Idiopathic hypereosinophilic syndrome. Last evaluated: 2018-01-12. Review status: criteria provided, single submitter. Criteria: ICSL Variant Classification Criteria 13 December 2019. Collection method: clinical testing. Allele origin: germline.
Comment: This variant was observed in the ICSL laboratory as part of a predisposition screen in an ostensibly healthy population. It had not been previously curated by ICSL or reported in the Human Gene Mutation Database (HGMD: prior to June 1st, 2018), and was therefore a candidate for classification through an automated scoring system. Utilizing variant allele frequency, disease prevalence and penetrance estimates, and inheritance mode, an automated score was calculated to assess if this variant is too frequent to cause the disease. Based on the score and internal cut-off values, a variant classified as benign is not then subjected to further curation. The score for this variant resulted in a classification of benign for this disease.

PreventionGenetics, part of Exact Sciences
Classification: Likely benign for PDGFRA-related condition. Last evaluated: 2020-04-20. Review status: no assertion criteria provided. Collection method: clinical testing. Allele origin: germline. Not counted in ClinVar's aggregate classification.
Comment: This variant is classified as likely benign based on ACMG/AMP sequence variant interpretation guidelines (Richards et al. 2015 PMID: 25741868, with internal and published modifications).

ITMI
No classification provided. Condition: AllHighlyPenetrant. Last evaluated: 2013-09-19. Review status: no classification provided. Collection method: reference population. Allele origin: germline. Not counted in ClinVar's aggregate classification.
Comment: Please see associated publication for description of ethnicities

Biesecker Lab/Clinical Genomics Section, National Institutes of Health
Classification: Uncertain significance. Last evaluated: 2012-07-13. Review status: no assertion criteria provided. Collection method: research. Allele origin: germline. Affected: no. Observed: 1 variant allele. Study: ClinSeq. Not counted in ClinVar's aggregate classification.
ClinVar note: Converted during submission from variant of unknown significance to Uncertain significance.

Literature cited by the submitters: PubMed 24728327 (cited by ITMI).